The following is an entry in ClinVar:

ClinVar aggregate classification (germline): Benign/Likely benign. Review status: criteria provided, multiple submitters, no conflicts (2 of 4 stars). 7 submissions from 6 submitters: Benign (1); Likely benign (5). 1 of the submissions does not count toward it. Last evaluated 2026-03-01.

Conditions:
KCNT1-related disorder. Also called: KCNT1-related condition.
Autosomal dominant nocturnal frontal lobe epilepsy 5. Also called: CILIARY DYSKINESIA, PRIMARY, 28, WITHOUT SITUS INVERSUS; CILIARY DYSKINESIA, PRIMARY, 28, WITH SITUS INVERSUS; KCNT1-Related Epilepsy; Epilepsy, nocturnal frontal lobe, 5. Identifiers: Orphanet 98784, MedGen C3554306, MONDO:0014002, OMIM 615005.
Developmental and epileptic encephalopathy, 14 (DEE14). Also called: Early infantile epileptic encephalopathy 14. Identifiers: Orphanet 293181, MedGen C3554195, MONDO:0013989, OMIM 614959.

Allele frequency attached by ClinVar (database versions not stated): gnomAD 0.00004 and 0.00007; gnomAD exomes 0.00008 and 0.00038; TOPMed 0.00008; ExAC 0.00037; 1000 Genomes Project 0.00060; 1000 Genomes Project 30x 0.00078.
gnomAD v4.1: 146 of 1,549,910 alleles (0.0094%); highest among the groups gnomAD compares: South Asian, 0.093%; 2 homozygotes.

Submissions (7):

CeGaT Center for Human Genetics Tuebingen
Classification: Likely benign. Last evaluated: 2026-03-01. Review status: criteria provided, single submitter. Criteria: CeGaT Center For Human Genetics Tuebingen Variant Classification Criteria Version 2. Collection method: clinical testing. Allele origin: germline. Affected: yes. Observed: 1 variant allele.
Comment: KCNT1: BP4, BP7

Labcorp Genetics (formerly Invitae), Labcorp
Classification: Benign for Autosomal dominant nocturnal frontal lobe epilepsy 5; Developmental and epileptic encephalopathy, 14. Last evaluated: 2025-09-05. Review status: criteria provided, single submitter. Criteria: Invitae Variant Classification Sherloc (09022015). Collection method: clinical testing. Allele origin: germline.

Blueprint Genetics
Classification: Likely benign. Last evaluated: 2024-11-18. Review status: criteria provided, single submitter. Criteria: ACMG Guidelines, 2015. Collection method: clinical testing. Allele origin: germline.

Genome-Nilou Lab
Classification: Likely benign for Developmental and epileptic encephalopathy, 14. Last evaluated: 2022-03-15. Review status: criteria provided, single submitter. Criteria: ACMG Guidelines, 2015. Collection method: clinical testing. Allele origin: germline. Affected: no.

Genome-Nilou Lab
Classification: Likely benign for Autosomal dominant nocturnal frontal lobe epilepsy 5. Last evaluated: 2022-03-15. Review status: criteria provided, single submitter. Criteria: ACMG Guidelines, 2015. Collection method: clinical testing. Allele origin: germline. Affected: no.

GeneDx
Classification: Likely benign. Last evaluated: 2020-11-03. Review status: criteria provided, single submitter. Criteria: GeneDx Variant Classification Process June 2021. Collection method: clinical testing. Allele origin: germline. Affected: yes.

PreventionGenetics, part of Exact Sciences
Classification: Likely benign for KCNT1-related condition. Last evaluated: 2019-04-01. Review status: no assertion criteria provided. Collection method: clinical testing. Allele origin: germline. Not counted in ClinVar's aggregate classification.
Comment: This variant is classified as likely benign based on ACMG/AMP sequence variant interpretation guidelines (Richards et al. 2015 PMID: 25741868, with internal and published modifications).

NM_020822.3(KCNT1):c.1614C>T (p.Arg538=)

Gene: KCNT1 (potassium sodium-activated channel subfamily T member 1; plus strand). Cytogenetic location: 9q34.3.
Variant type: single nucleotide variant.
Coding change: c.1614C>T on transcript NM_020822.3 (MANE Select); coding-DNA position 1614, C replaced by T.
Protein change: p.Arg538=; no amino-acid change (arginine 538 retained).
Molecular consequence: synonymous variant.
Genome position (GRCh38, 1-based): chr9:135,770,050, C>T. VCF-style: chr9-135770050-C-T. GRCh37 (hg19) VCF-style: chr9-138661896-C-T.
Other names: c.1479C>T, p.Arg493= (NM_001272003.2).
Identifiers: ClinVar variation 383992 (VCV000383992.21), dbSNP rs368876173, ClinGen allele CA5326973.